The following is an entry in ClinVar:

NM_006445.4(PRPF8):c.4638T>C (p.Asn1546=)

Gene: PRPF8 (pre-mRNA processing factor 8; minus strand). Cytogenetic location: 17p13.3.
Variant type: single nucleotide variant.
Coding change: c.4638T>C on transcript NM_006445.4 (MANE Select); coding-DNA position 4638, T replaced by C.
Protein change: p.Asn1546=; no amino-acid change (asparagine 1546 retained).
Molecular consequence: synonymous variant.
Genome position (GRCh38, 1-based): chr17:1,660,698, A>G on the plus strand (T>C on the coding strand, the complement: PRPF8 is on the minus strand). VCF-style: chr17-1660698-A-G. GRCh37 (hg19) VCF-style: chr17-1563992-A-G.
Identifiers: ClinVar variation 2119822 (VCV002119822.5), dbSNP rs1911638529, ClinGen allele CA497391728.

ClinVar aggregate classification (germline): Conflicting classifications of pathogenicity. Review status: criteria provided, conflicting classifications (1 of 4 stars). 2 submissions from 2 submitters: Uncertain significance (1); Likely benign (1). Last evaluated 2023-10-01.

Conditions:
Retinal dystrophy. Also called: Inherited retinal dystrophy. Identifiers: Orphanet 71862, MedGen C0854723, MeSH D058499, MONDO:0019118, HP:0000556.

Allele frequency attached by ClinVar (database versions not stated): TOPMed below 0.00001.
gnomAD v4.1: 5 of 1,614,154 alleles (0.00031%); highest among the groups gnomAD compares: East Asian, 0.011%; no homozygotes.

Submissions (2):

Dept Of Ophthalmology, Nagoya University
Classification: Likely benign for Retinal dystrophy. Last evaluated: 2023-10-01. Review status: criteria provided, single submitter. Criteria: Submitter's publication. Collection method: research. Allele origin: germline. Affected: yes.

Labcorp Genetics (formerly Invitae), Labcorp
Classification: Uncertain significance. Last evaluated: 2022-03-31. Review status: criteria provided, single submitter. Criteria: Invitae Variant Classification Sherloc (09022015). Collection method: clinical testing. Allele origin: germline.
Comment: This sequence change affects codon 1546 of the PRPF8 mRNA. It is a 'silent' change, meaning that it does not change the encoded amino acid sequence of the PRPF8 protein. It affects a nucleotide within the consensus splice site. In summary, the available evidence is currently insufficient to determine the role of this variant in disease. Therefore, it has been classified as a Variant of Uncertain Significance. Algorithms developed to predict the effect of sequence changes on RNA splicing suggest that this variant is not likely to affect RNA splicing. This variant has not been reported in the literature in individuals affected with PRPF8-related conditions. This variant is not present in population databases (gnomAD no frequency).